The following is an entry in ClinVar:

NM_001077268.2(ZFYVE19):c.279+414A>T

Gene: ZFYVE19 (zinc finger FYVE-type containing 19; plus strand). Cytogenetic location: 15q15.1.
Variant type: single nucleotide variant.
Coding change: c.279+414A>T on transcript NM_001077268.2 (MANE Select); 414 bases into the intron after coding-DNA position 279, A replaced by T.
Molecular consequence: intron variant. On other transcripts: missense variant (1).
Genome position (GRCh38, 1-based): chr15:40,808,282, A>T. VCF-style: chr15-40808282-A-T. GRCh37 (hg19) VCF-style: chr15-41100480-A-T.
Other names: c.153A>T, p.Leu51Phe (NM_032850.5); c.279+414A>T (NM_001258420.2); c.-247+611A>T (NM_001258421.2); short protein forms L51F.
Identifiers: ClinVar variation 4978135 (VCV004978135.1).

ClinVar aggregate classification (germline): Uncertain significance (1 of 4 stars; one submission).

Conditions:
ZFYVE19-related disorder. Also called: ZFYVE19-related condition.

gnomAD v4.1: 45 of 1,597,464 alleles (0.0028%); highest among the groups gnomAD compares: African/African-American, 0.045%; no homozygotes.

Submission:

PreventionGenetics, part of Exact Sciences
Classification: Uncertain significance for ZFYVE19-related condition. Last evaluated: 2026-06-15. Review status: criteria provided, single submitter. Criteria: ACMG Guidelines, 2015. Collection method: clinical testing. Allele origin: germline.
Comment: The ZFYVE19 c.153A>T variant is predicted to result in the amino acid substitution p.Leu51Phe. To our knowledge, this variant has not been reported in the literature. This variant is reported in 0.057% of alleles in individuals of African descent in gnomAD. At this time, the clinical significance of this variant is uncertain due to the absence of conclusive functional and genetic evidence.